The following is an entry in ClinVar:

NM_006947.4(SRP72):c.989T>C (p.Leu330Ser)

Gene: SRP72 (signal recognition particle 72; plus strand). Cytogenetic location: 4q12.
Variant type: single nucleotide variant.
Coding change: c.989T>C on transcript NM_006947.4 (MANE Select); coding-DNA position 989, T replaced by C.
Protein change: p.Leu330Ser; replaces leucine 330 with serine.
Molecular consequence: missense variant. On other transcripts: non-coding transcript variant (1).
Genome position (GRCh38, 1-based): chr4:56,484,767, T>C. VCF-style: chr4-56484767-T-C. GRCh37 (hg19) VCF-style: chr4-57350933-T-C.
Other names: c.806T>C, p.Leu269Ser (NM_001267722.2); short protein forms L269S, L330S.
Identifiers: ClinVar variation 4174975 (VCV004174975.1).
Genomic context (GRCh38, chr4:56,484,767, plus strand): 5'-TTTTCTTGTGGGGGTTGGATATCTTCTAGGCTGAACAATGCCGCAAAATATCTGCCAGTT[T>C]ACAGTCCCAAAGTCCCGAGCATCTCTTACCTGTGTTAATCCAAGCTGCCCAGCTCTGCCG-3'
Protein context (NP_008878.3, residues 320-340): AEQCRKISAS[Leu330Ser]QSQSPEHLLP

ClinVar aggregate classification (germline): Uncertain significance (1 of 4 stars; one submission).

gnomAD v4.1: 1 of 1,614,200 alleles (0.000062%); highest among the groups gnomAD compares: Admixed American, 0.0017%; no homozygotes.

Submission:

Ambry Genetics
Classification: Uncertain significance. Last evaluated: 2025-08-28. Review status: criteria provided, single submitter. Criteria: Ambry Variant Classification Scheme 2023. Collection method: clinical testing. Allele origin: germline.
Comment: The p.L330S variant (also known as c.989T>C), located in coding exon 10 of the SRP72 gene, results from a T to C substitution at nucleotide position 989. The leucine at codon 330 is replaced by serine, an amino acid with dissimilar properties. This amino acid position is conserved. In addition, this alteration is predicted to be deleterious by in silico analysis. Based on the available evidence, the clinical significance of this variant remains unclear.